The following is an entry in ClinVar:

NM_000051.4(ATM):c.196A>G (p.Lys66Glu)

Gene: ATM (ATM serine/threonine kinase; plus strand). Cytogenetic location: 11q22.3.
Variant type: single nucleotide variant.
Coding change: c.196A>G on transcript NM_000051.4 (MANE Select); coding-DNA position 196, A replaced by G.
Protein change: p.Lys66Glu; replaces lysine 66 with glutamic acid.
Molecular consequence: missense variant.
Genome position (GRCh38, 1-based): chr11:108,229,188, A>G. VCF-style: chr11-108229188-A-G. GRCh37 (hg19) VCF-style: chr11-108099915-A-G.
Other names: c.196A>G, p.Lys66Glu (NM_001351834.2, NM_001351835.2, NM_001351836.2); short protein forms K66E.
Identifiers: ClinVar variation 573506 (VCV000573506.8), dbSNP rs1565346656, ClinGen allele CA382521193.

ClinVar aggregate classification (germline): Uncertain significance (1 of 4 stars; one submission).

Conditions:
Ataxia-telangiectasia syndrome (AT). Also called: AT, COMPLEMENTATION GROUP C; Cerebello-oculocutaneous telangiectasia; Immunodeficiency with ataxia telangiectasia; Ataxia-telangiectasia, complementation group D; ATAXIA-TELANGIECTASIA, FRESNO VARIANT; Ataxia-telangiectasia, complementation group E. Identifiers: Orphanet 100, MedGen C0004135, MONDO:0008840, OMIM 208900.

Submission:

Labcorp Genetics (formerly Invitae), Labcorp
Classification: Uncertain significance for Ataxia-telangiectasia syndrome. Last evaluated: 2018-03-23. Review status: criteria provided, single submitter. Criteria: Invitae Variant Classification Sherloc (09022015). Collection method: clinical testing. Allele origin: germline.
Comment: This sequence change replaces lysine with glutamic acid at codon 66 of the ATM protein (p.Lys66Glu). The lysine residue is moderately conserved and there is a small physicochemical difference between lysine and glutamic acid. This variant is not present in population databases (ExAC no frequency). This variant has not been reported in the literature in individuals with ATM-related disease. Algorithms developed to predict the effect of missense changes on protein structure and function do not agree on the potential impact of this missense change (SIFT: "Tolerated"; PolyPhen-2: "Possibly Damaging"; Align-GVGD: "Class C0"). In summary, the available evidence is currently insufficient to determine the role of this variant in disease. Therefore, it has been classified as a Variant of Uncertain Significance.